The following is an entry in ClinVar:

ClinVar aggregate classification (germline): Uncertain significance (1 of 4 stars; one submission).

Submission:

Labcorp Genetics (formerly Invitae), Labcorp
Classification: Uncertain significance. Last evaluated: 2025-09-15. Review status: criteria provided, single submitter. Criteria: Invitae Variant Classification Sherloc (09022015). Collection method: clinical testing. Allele origin: germline.
Comment: This sequence change replaces leucine, which is neutral and non-polar, with isoleucine, which is neutral and non-polar, at codon 2090 of the POLE protein (p.Leu2090Ile). This variant is not present in population databases (gnomAD no frequency). This variant has not been reported in the literature in individuals affected with POLE-related conditions. Invitae Evidence Modeling of protein sequence and biophysical properties (such as structural, functional, and spatial information, amino acid conservation, physicochemical variation, residue mobility, and thermodynamic stability) indicates that this missense variant is not expected to disrupt POLE protein function with a negative predictive value of 80%. In summary, the available evidence is currently insufficient to determine the role of this variant in disease. Therefore, it has been classified as a Variant of Uncertain Significance.

NM_006231.4(POLE):c.6268C>A (p.Leu2090Ile)

Gene: POLE (DNA polymerase epsilon, catalytic subunit; minus strand). Cytogenetic location: 12q24.33.
Variant type: single nucleotide variant.
Coding change: c.6268C>A on transcript NM_006231.4 (MANE Select); coding-DNA position 6268, C replaced by A.
Protein change: p.Leu2090Ile; replaces leucine 2090 with isoleucine.
Molecular consequence: missense variant.
Genome position (GRCh38, 1-based): chr12:132,632,377, G>T on the plus strand (C>A on the coding strand, the complement: POLE is on the minus strand). VCF-style: chr12-132632377-G-T. GRCh37 (hg19) VCF-style: chr12-133208963-G-T.
Other names: short protein forms L2090I.
Identifiers: ClinVar variation 4767914 (VCV004767914.1).
Genomic context (GRCh38, chr12:132,632,377, plus strand): 5'-TGCACACGTATTTGATGAACTCCAGGGCAGGGTTATTGAGCAGCAAGTGGGAACCGGGGA[G>T]GACAGGAAACATCTCTGAGAGCTCAGTGGAGTTCCGAGAGCCTGTGACTTTCTTCTGAAT-3'
Protein context (NP_006222.2, residues 2080-2100): STELSEMFPV[Leu2090Ile]PGSHLLLNNP